The following is an entry in ClinVar:

ClinVar aggregate classification (germline): Uncertain significance (1 of 4 stars; one submission).

Submission:

GeneDx
Classification: Uncertain significance. Last evaluated: 2020-01-07. Review status: criteria provided, single submitter. Criteria: GeneDx Variant Classification Process June 2021. Collection method: clinical testing. Allele origin: germline. Affected: yes.
Comment: Not observed in large population cohorts (Lek et al., 2016); In silico analysis, which includes protein predictors and evolutionary conservation, supports that this variant does not alter protein structure/function; Has not been previously published as pathogenic or benign to our knowledge

NM_001844.5(COL2A1):c.4318A>G (p.Lys1440Glu)

Gene: COL2A1 (collagen type II alpha 1 chain; minus strand). Cytogenetic location: 12q13.11.
Variant type: single nucleotide variant.
Coding change: c.4318A>G on transcript NM_001844.5 (MANE Select); coding-DNA position 4318, A replaced by G.
Protein change: p.Lys1440Glu; replaces lysine 1440 with glutamic acid.
Molecular consequence: missense variant.
Genome position (GRCh38, 1-based): chr12:47,973,553, T>C on the plus strand (A>G on the coding strand, the complement: COL2A1 is on the minus strand). VCF-style: chr12-47973553-T-C. GRCh37 (hg19) VCF-style: chr12-48367336-T-C.
Other names: c.4111A>G, p.Lys1371Glu (NM_033150.3); short protein forms K1371E, K1440E.
Identifiers: ClinVar variation 1311821 (VCV001311821.2), dbSNP rs2136502727, ClinGen allele CA384533377.